The following is an entry in ClinVar:

NM_007186.6(CEP250):c.4148C>T (p.Thr1383Met)

Gene: CEP250 (centrosomal protein 250; plus strand). Cytogenetic location: 20q11.22.
Variant type: single nucleotide variant.
Coding change: c.4148C>T on transcript NM_007186.6 (MANE Select); coding-DNA position 4148, C replaced by T.
Protein change: p.Thr1383Met; replaces threonine 1383 with methionine.
Molecular consequence: missense variant.
Genome position (GRCh38, 1-based): chr20:35,502,517, C>T. VCF-style: chr20-35502517-C-T. GRCh37 (hg19) VCF-style: chr20-34090345-C-T.
Other names: c.2252C>T, p.Thr751Met (NM_001318219.1); c.4148C>T (NM_007186.3); short protein forms T1383M, T751M.
Identifiers: ClinVar variation 954418 (VCV000954418.8), dbSNP rs758095541, ClinGen allele CA9833671.
Genomic context (GRCh38, chr20:35,502,517, plus strand): 5'-CTGTCGTAGAAGCCAGGGCTCAGGCAAGTGCTGCTGGCATCCTGGAAGAAGACCTGAGAA[C>T]GGCTCGCTCAGCACTGAAGCTGAAAAATGAGGAAGTAGAGAGTGAGCGTGAGAGAGCCCA-3'
Protein context (NP_009117.2, residues 1373-1393): AAGILEEDLR[Thr1383Met]ARSALKLKNE

ClinVar aggregate classification (germline): Uncertain significance. Review status: criteria provided, multiple submitters, no conflicts (2 of 4 stars). 2 submissions from 2 submitters: Uncertain significance (2). Last evaluated 2023-07-17.

Allele frequency attached by ClinVar (database versions not stated): ExAC 0.00003; gnomAD exomes 0.00005 and 0.00008; TOPMed 0.00005; gnomAD 0.00006.
gnomAD v4.1: 117 of 1,614,000 alleles (0.0072%); highest among the groups gnomAD compares: South Asian, 0.0099%; no homozygotes.

Submissions (2):

Labcorp Genetics (formerly Invitae), Labcorp
Classification: Uncertain significance. Last evaluated: 2023-07-17. Review status: criteria provided, single submitter. Criteria: Invitae Variant Classification Sherloc (09022015). Collection method: clinical testing. Allele origin: germline.
Comment: This sequence change replaces threonine, which is neutral and polar, with methionine, which is neutral and non-polar, at codon 1383 of the CEP250 protein (p.Thr1383Met). This variant is present in population databases (rs758095541, gnomAD 0.01%). This variant has not been reported in the literature in individuals affected with CEP250-related conditions. ClinVar contains an entry for this variant (Variation ID: 954418). Algorithms developed to predict the effect of missense changes on protein structure and function output the following: SIFT: "Not Available"; PolyPhen-2: "Benign"; Align-GVGD: "Not Available". The methionine amino acid residue is found in multiple mammalian species, which suggests that this missense change does not adversely affect protein function. In summary, the available evidence is currently insufficient to determine the role of this variant in disease. Therefore, it has been classified as a Variant of Uncertain Significance.

Ambry Genetics
Classification: Uncertain significance. Last evaluated: 2023-01-25. Review status: criteria provided, single submitter. Criteria: Ambry Variant Classification Scheme 2023. Collection method: clinical testing. Allele origin: germline.